The following is an entry in ClinVar:

ClinVar aggregate classification (germline): Conflicting classifications of pathogenicity. Review status: criteria provided, conflicting classifications (1 of 4 stars). 12 submissions from 8 submitters: Uncertain significance (8); Benign (2); Likely benign (2). Last evaluated 2025-07-21.

Conditions:
TTN-related disorder. Also called: TTN-related condition; TTN-related disease; TTN-related disorders.
Autosomal recessive limb-girdle muscular dystrophy type 2J (LGMDR10). Also called: Limb-girdle muscular dystrophy, type 2J; MUSCULAR DYSTROPHY, LIMB-GIRDLE, AUTOSOMAL RECESSIVE 10. Identifiers: Orphanet 140922, MedGen C1837342, MONDO:0012127, OMIM 608807.
Dilated cardiomyopathy 1G (CMD1G). Identifiers: Orphanet 154, MedGen C1858763, MONDO:0011400, OMIM 604145.
Early-onset myopathy with fatal cardiomyopathy (CMYO5). Also called: Salih Myopathy; CONGENITAL MYOPATHY 5 WITH CARDIOMYOPATHY. Identifiers: Orphanet 289377, MedGen C2673677, MONDO:0012714, OMIM 611705. Disease mechanism: loss of function.
Myopathy, myofibrillar, 9, with early respiratory failure (MFM9). Also called: EDSTROM MYOPATHY; MYOPATHY, PROXIMAL, WITH EARLY RESPIRATORY MUSCLE INVOLVEMENT; Myopathy, distal, with early respiratory failure, autosomal dominant; Hereditary myopathy with early respiratory failure. Identifiers: Orphanet 178464, Orphanet 34521, MedGen C1863599, MONDO:0011362, OMIM 603689.
Tibial muscular dystrophy (TMD). Also called: Tibial muscular dystrophy, tardive; UDD MYOPATHY; Udd Distal Myopathy – Tibial Muscular Dystrophy. Identifiers: Orphanet 609, MedGen C1838244, MONDO:0010870, OMIM 600334.

Allele frequency attached by ClinVar (database versions not stated): gnomAD exomes 0.00016 and 0.00024; gnomAD 0.00017; TOPMed 0.00022; ExAC 0.00023; ESP Exome Variant Server 0.00034.
gnomAD v4.1: 379 of 1,613,212 alleles (0.023%); highest among the groups gnomAD compares: Non-Finnish European, 0.031%; no homozygotes.

Submissions (12):

PreventionGenetics, part of Exact Sciences
Classification: Likely benign for TTN-related condition. Last evaluated: 2025-07-21. Review status: criteria provided, single submitter. Criteria: ACMG Guidelines, 2015. Collection method: clinical testing. Allele origin: germline.
Comment: This variant is classified as likely benign based on ACMG/AMP sequence variant interpretation guidelines (Richards et al. 2015 PMID: 25741868, with internal and published modifications).

CeGaT Center for Human Genetics Tuebingen
Classification: Uncertain significance. Last evaluated: 2025-03-01. Review status: criteria provided, single submitter. Criteria: CeGaT Center For Human Genetics Tuebingen Variant Classification Criteria Version 2. Collection method: clinical testing. Allele origin: germline. Affected: yes. Observed: 1 variant allele.
Comment: TTN: PM2, BP4

Athena Diagnostics
Classification: Uncertain significance. Last evaluated: 2022-07-28. Review status: criteria provided, single submitter. Criteria: Athena Diagnostics Criteria. Collection method: clinical testing. Allele origin: unknown.

Revvity Omics, Revvity
Classification: Uncertain significance. Last evaluated: 2020-11-20. Review status: criteria provided, single submitter. Criteria: ACMG Guidelines, 2015. Collection method: clinical testing. Allele origin: germline.

GeneDx
Classification: Likely benign. Last evaluated: 2020-04-09. Review status: criteria provided, single submitter. Criteria: GeneDx Variant Classification Process June 2021. Collection method: clinical testing. Allele origin: germline. Affected: yes.

Eurofins Ntd Llc (ga)
Classification: Uncertain significance. Last evaluated: 2018-06-14. Review status: criteria provided, single submitter. Criteria: EGL ClinVar v180209 classification definitions. Collection method: clinical testing. Allele origin: germline. Observed: 3 variant alleles, 3 heterozygotes.

Illumina Laboratory Services, Illumina
Classification: Uncertain significance for Early-onset myopathy with fatal cardiomyopathy. Last evaluated: 2018-01-12. Review status: criteria provided, single submitter. Criteria: ICSL Variant Classification Criteria 13 December 2019. Collection method: clinical testing. Allele origin: germline.

Illumina Laboratory Services, Illumina
Classification: Benign for Tibial muscular dystrophy. Last evaluated: 2018-01-12. Review status: criteria provided, single submitter. Criteria: ICSL Variant Classification Criteria 13 December 2019. Collection method: clinical testing. Allele origin: germline.
Comment: This variant was observed in the ICSL laboratory as part of a predisposition screen in an ostensibly healthy population. It had not been previously curated by ICSL or reported in the Human Gene Mutation Database (HGMD: prior to June 1st, 2018), and was therefore a candidate for classification through an automated scoring system. Utilizing variant allele frequency, disease prevalence and penetrance estimates, and inheritance mode, an automated score was calculated to assess if this variant is too frequent to cause the disease. Based on the score and internal cut-off values, a variant classified as benign is not then subjected to further curation. The score for this variant resulted in a classification of benign for this disease.

Illumina Laboratory Services, Illumina
Classification: Uncertain significance for Dilated cardiomyopathy 1G. Last evaluated: 2018-01-12. Review status: criteria provided, single submitter. Criteria: ICSL Variant Classification Criteria 13 December 2019. Collection method: clinical testing. Allele origin: germline.

Illumina Laboratory Services, Illumina
Classification: Uncertain significance for Autosomal recessive limb-girdle muscular dystrophy type 2J. Last evaluated: 2018-01-12. Review status: criteria provided, single submitter. Criteria: ICSL Variant Classification Criteria 13 December 2019. Collection method: clinical testing. Allele origin: germline.

Illumina Laboratory Services, Illumina
Classification: Benign for Myopathy, myofibrillar, 9, with early respiratory failure. Last evaluated: 2018-01-12. Review status: criteria provided, single submitter. Criteria: ICSL Variant Classification Criteria 13 December 2019. Collection method: clinical testing. Allele origin: germline.
Comment: the same text as in the submission from Illumina Laboratory Services, Illumina above.

Labcorp Genetics (formerly Invitae), Labcorp
Classification: Uncertain significance for Dilated cardiomyopathy 1G; Autosomal recessive limb-girdle muscular dystrophy type 2J. Last evaluated: 2017-12-28. Review status: criteria provided, single submitter. Criteria: Invitae Variant Classification Sherloc (09022015). Collection method: clinical testing. Allele origin: germline.

NM_001267550.2(TTN):c.22439A>C (p.Gln7480Pro)

Gene: TTN (titin; minus strand). Cytogenetic location: 2q31.2.
Variant type: single nucleotide variant.
Coding change: c.22439A>C on transcript NM_001267550.2 (MANE Select); coding-DNA position 22439, A replaced by C.
Protein change: p.Gln7480Pro; replaces glutamine 7480 with proline.
Molecular consequence: missense variant. On other transcripts: intron variant (3).
Genome position (GRCh38, 1-based): chr2:178,722,348, T>G on the plus strand (A>C on the coding strand, the complement: TTN is on the minus strand). VCF-style: chr2-178722348-T-G. GRCh37 (hg19) VCF-style: chr2-179587075-T-G.
Other names: p.Q7163P:CAA>CCA; c.21488A>C, p.Gln7163Pro (NM_001256850.1); c.18707A>C, p.Gln6236Pro (NM_133378.4); c.13282+15734A>C (NM_003319.4); c.13858+15734A>C (NM_133437.4); c.13657+15734A>C (NM_133432.3); c.22439A>C (NM_001267550.1); short protein forms Q7163P, Q7480P, Q6236P.
Identifiers: ClinVar variation 203314 (VCV000203314.24), dbSNP rs201065037, ClinGen allele CA312010.